The following is an entry in ClinVar:

NM_001348716.2(KDM6B):c.1444C>T (p.Pro482Ser)

Gene: KDM6B (lysine demethylase 6B; plus strand). Cytogenetic location: 17p13.1.
Variant type: single nucleotide variant.
Coding change: c.1444C>T on transcript NM_001348716.2 (MANE Select); coding-DNA position 1444, C replaced by T.
Protein change: p.Pro482Ser; replaces proline 482 with serine.
Molecular consequence: missense variant.
Genome position (GRCh38, 1-based): chr17:7,847,732, C>T. VCF-style: chr17-7847732-C-T. GRCh37 (hg19) VCF-style: chr17-7751050-C-T.
Other names: c.1444C>T, p.Pro482Ser (NM_001080424.2); short protein forms P482S.
Identifiers: ClinVar variation 1277000 (VCV001277000.4), dbSNP rs62059713, ClinGen allele CA8360654.
Genomic context (GRCh38, chr17:7,847,732, plus strand): 5'-CCACCTGGACCTTCCTCACCCCCTCCACCCCCCTGTCCCCGCCTCTTACGCCCCCCACCA[C>T]CCCCTGCCTGGTTGAAGGGTCCGGCCTGCCGGGCAGCCCGAGAGGATGGAGAGATCTTAG-3'
Protein context (NP_001335645.1, residues 472-492): PCPRLLRPPP[Pro482Ser]PAWLKGPACR

ClinVar aggregate classification (germline): Benign. Review status: criteria provided, multiple submitters, no conflicts (2 of 4 stars). 3 submissions from 3 submitters: Benign (2). 1 of the submissions does not count toward it. Last evaluated 2020-07-16.

Conditions:
KDM6B-related disorder. Also called: KDM6B-related condition.

Allele frequency attached by ClinVar (database versions not stated): ESP Exome Variant Server 0.11125; gnomAD 0.12394 and 0.12849; TOPMed 0.13864; 1000 Genomes Project 30x 0.16396; 1000 Genomes Project 0.16753; gnomAD exomes 0.18503; ExAC 0.18681.

Submissions (3):

GeneDx
Classification: Benign. Last evaluated: 2020-07-16. Review status: criteria provided, single submitter. Criteria: GeneDx Variant Classification Process June 2021. Collection method: clinical testing. Allele origin: germline. Affected: yes.

Breakthrough Genomics
Classification: Benign. Review status: criteria provided, single submitter. Criteria: ACMG Guidelines, 2015. Collection method: not provided. Allele origin: germline. Inheritance: Autosomal dominant inheritance. Affected: yes.

PreventionGenetics, part of Exact Sciences
Classification: Benign for KDM6B-related condition. Last evaluated: 2019-10-22. Review status: no assertion criteria provided. Collection method: clinical testing. Allele origin: germline. Not counted in ClinVar's aggregate classification.
Comment: This variant is classified as benign based on ACMG/AMP sequence variant interpretation guidelines (Richards et al. 2015 PMID: 25741868, with internal and published modifications).